The following is an entry in ClinVar:

ClinVar aggregate classification (germline): Pathogenic (1 of 4 stars; one submission).

Conditions:
Lynch syndrome 5 (LYNCH5). Also called: Colorectal cancer, hereditary nonpolyposis, type 5; Hereditary non-polyposis colorectal cancer, type 5. Identifiers: Orphanet 144, MedGen C1833477, MONDO:0013710, OMIM 614350. Disease mechanism: loss of function.

Submission:

Myriad Genetics, Inc.
Classification: Pathogenic for Lynch syndrome 5. Last evaluated: 2023-08-28. Review status: criteria provided, single submitter. Criteria: Myriad Autosomal Dominant, Autosomal Recessive and X-Linked Classification Criteria (2023). Collection method: clinical testing. Allele origin: unknown.
Comment: This variant is considered pathogenic. This variant creates a frameshift predicted to result in premature protein truncation.

NM_000179.3(MSH6):c.3926del (p.Pro1309fs)

Gene: MSH6 (mutS homolog 6; plus strand). Cytogenetic location: 2p16.3.
Variant type: Deletion.
Coding change: c.3926del on transcript NM_000179.3 (MANE Select); coding-DNA position 3926, one base deleted (C; older notation c.3926delC).
Protein change: p.Pro1309fs; shifts the reading frame from proline 1309.
Molecular consequence: frameshift variant. On other transcripts: non-coding transcript variant (5), intron variant (1).
Genome position (GRCh38, 1-based): chr2:47,806,576, C deleted; the last of 3 consecutive C bases (chr2:47,806,574-47,806,576); deleting any one gives the same sequence. VCF-style (leftmost placement, unchanged base first): chr2-47806573-TC-T. GRCh37 (hg19) VCF-style: chr2-48033712-TC-T.
Other names: c.3536del, p.Pro1179fs (NM_001281492.2); c.3020del, p.Pro1007fs (NM_001281493.2, NM_001281494.2, NM_001406811.1 and 6 more transcripts); c.4022del, p.Pro1341fs (NM_001406795.1); c.3926del, p.Pro1309fs (NM_001406796.1, NM_001406808.1, NM_001406809.1); c.3629del, p.Pro1210fs (NM_001406797.1, NM_001406801.1, NM_001406805.1 and 10 more transcripts); c.3752del, p.Pro1251fs (NM_001406798.1); c.3401del, p.Pro1134fs (NM_001406799.1, NM_001406806.1, NM_001406807.1); c.3913del, p.Gln1305fs (NM_001406800.1); and 9 more; short protein forms P1007fs, P1021fs, P1134fs, P1179fs, P1210fs, P1251fs, P1253fs, P1283fs.
Identifiers: ClinVar variation 2673676 (VCV002673676.1), dbSNP rs2530870430, ClinGen allele CA2695200653.